The following is an entry in ClinVar:

ClinVar aggregate classification (germline): Uncertain significance (1 of 4 stars; one submission).

Allele frequency attached by ClinVar (database versions not stated): gnomAD 0.00001; ExAC 0.00002; TOPMed 0.00003; 1000 Genomes Project 30x 0.00016; 1000 Genomes Project 0.00020.
gnomAD v4.1: 5 of 1,612,432 alleles (0.00031%); highest among the groups gnomAD compares: Admixed American, 0.0084%; no homozygotes.

Submission:

Ambry Genetics
Classification: Uncertain significance. Last evaluated: 2021-08-04. Review status: criteria provided, single submitter. Criteria: Ambry Variant Classification Scheme 2023. Collection method: clinical testing. Allele origin: germline.
Comment: The p.G943D variant (also known as c.2828G>A), located in coding exon 25 of the PRKDC gene, results from a G to A substitution at nucleotide position 2828. The glycine at codon 943 is replaced by aspartic acid, an amino acid with similar properties. This amino acid position is conserved. In addition, the in silico prediction for this alteration is inconclusive. Since supporting evidence is limited at this time, the clinical significance of this alteration remains unclear.

NM_006904.7(PRKDC):c.2828G>A (p.Gly943Asp)

Gene: PRKDC (protein kinase, DNA-activated, catalytic subunit; minus strand). Cytogenetic location: 8q11.21.
Variant type: single nucleotide variant.
Coding change: c.2828G>A on transcript NM_006904.7 (MANE Select); coding-DNA position 2828, G replaced by A.
Protein change: p.Gly943Asp; replaces glycine 943 with aspartic acid.
Molecular consequence: missense variant.
Genome position (GRCh38, 1-based): chr8:47,912,516, C>T on the plus strand (G>A on the coding strand, the complement: PRKDC is on the minus strand). VCF-style: chr8-47912516-C-T. GRCh37 (hg19) VCF-style: chr8-48825076-C-T.
Other names: c.2828G>A, p.Gly943Asp (NM_001081640.2); short protein forms G943D.
Identifiers: ClinVar variation 1796522 (VCV001796522.2), dbSNP rs547122321, ClinGen allele CA4741357.
Genomic context (GRCh38, chr8:47,912,516, plus strand): 5'-TTATAGAGCTGGTACATGGGTGGGGCTCCCTGTCCCCCTTCTGGCATCTGCGTGGCTTTG[C>T]CCAACATAAACATAACCATGCTATGTAAAAGTTCACAGGCTGCAACCTAAAACAGACCAG-3'
Protein context (NP_008835.5, residues 933-953): LLHSMVMFML[Gly943Asp]KATQMPEGGQ